The following is an entry in ClinVar:

NM_024589.3(ROGDI):c.530C>T (p.Thr177Met)

Gene: ROGDI (rogdi atypical leucine zipper; minus strand). Cytogenetic location: 16p13.3.
Variant type: single nucleotide variant.
Coding change: c.530C>T on transcript NM_024589.3 (MANE Select); coding-DNA position 530, C replaced by T.
Protein change: p.Thr177Met; replaces threonine 177 with methionine.
Molecular consequence: missense variant. On other transcripts: non-coding transcript variant (1).
Genome position (GRCh38, 1-based): chr16:4,798,570, G>A on the plus strand (C>T on the coding strand, the complement: ROGDI is on the minus strand). VCF-style: chr16-4798570-G-A. GRCh37 (hg19) VCF-style: chr16-4848571-G-A.
Other names: short protein forms T177M.
Identifiers: ClinVar variation 461613 (VCV000461613.6), dbSNP rs571018862, ClinGen allele CA7882680.

ClinVar aggregate classification (germline): Uncertain significance (1 of 4 stars; one submission).

Conditions:
Amelocerebrohypohidrotic syndrome (KTZS). Also called: KOHLSCHUTTER SYNDROME; Kohlschutter's syndrome; EPILEPSY AND YELLOW TEETH; EPILEPSY, DEMENTIA, AND AMELOGENESIS IMPERFECTA. Identifiers: Orphanet 1946, MedGen C0406740, MONDO:0009185, OMIM 226750.

Allele frequency attached by ClinVar (database versions not stated): TOPMed 0.00002; 1000 Genomes Project 0.00020; 1000 Genomes Project 30x 0.00031.
gnomAD v4.1: 33 of 1,553,628 alleles (0.0021%); highest among the groups gnomAD compares: Middle Eastern, 0.017%; no homozygotes.

Submission:

Labcorp Genetics (formerly Invitae), Labcorp
Classification: Uncertain significance for Amelocerebrohypohidrotic syndrome. Last evaluated: 2023-08-04. Review status: criteria provided, single submitter. Criteria: Invitae Variant Classification Sherloc (09022015). Collection method: clinical testing. Allele origin: germline.
Comment: In summary, the available evidence is currently insufficient to determine the role of this variant in disease. Therefore, it has been classified as a Variant of Uncertain Significance. An algorithm developed to predict the effect of missense changes on protein structure and function (PolyPhen-2) suggests that this variant¬†is likely to be tolerated. ClinVar contains an entry for this variant (Variation ID: 461613). This variant has not been reported in the literature in individuals affected with ROGDI-related conditions. The frequency data for this variant in the population databases is considered unreliable, as metrics indicate poor data quality at this position in the gnomAD database. This sequence change replaces threonine, which is neutral and polar, with methionine, which is neutral and non-polar, at codon 177 of the ROGDI protein (p.Thr177Met).